The following is an entry in ClinVar:

NM_020975.6(RET):c.2607+5G>A

Gene: RET (ret proto-oncogene; plus strand). Cytogenetic location: 10q11.21.
Variant type: single nucleotide variant.
Coding change: c.2607+5G>A on transcript NM_020975.6 (MANE Select); 5 bases into the intron after coding-DNA position 2607, G replaced by A.
Molecular consequence: intron variant.
Genome position (GRCh38, 1-based): chr10:43,119,750, G>A. VCF-style: chr10-43119750-G-A. GRCh37 (hg19) VCF-style: chr10-43615198-G-A.
Other names: c.2607+5G>A (NM_020630.7, NM_001406743.1, NM_001406744.1 and 2 more transcripts); c.2472+5G>A (NM_001406765.1, NM_001406763.1); c.2211+5G>A (NM_001406772.1, NM_001406769.1); c.2169+5G>A (NM_001406773.1, NM_001406771.1); c.1710+5G>A (NM_001406782.1, NM_001406780.1, NM_001406779.1 and 1 more transcripts); c.1575+5G>A (NM_001406787.1); c.1590+5G>A (NM_001406785.1); c.2478+5G>A (NM_001406764.1, NM_001406762.1, NM_001406761.1); and 10 more.
Identifiers: ClinVar variation 372491 (VCV000372491.31), dbSNP rs143862573, ClinGen allele CA040017.

ClinVar aggregate classification (germline): Conflicting classifications of pathogenicity. Review status: criteria provided, conflicting classifications (1 of 4 stars). 10 submissions from 10 submitters: Likely pathogenic (1); Uncertain significance (8). 1 of the submissions does not count toward it. Last evaluated 2026-01-11.

Conditions:
RET-related disorder. Also called: RET-related condition; RET-related disease; RET-related disorders.
Hereditary cancer-predisposing syndrome. Also called: Tumor predisposition; Hereditary Cancer Syndrome; Hereditary neoplastic syndrome; Neoplastic Syndromes, Hereditary. Identifiers: Orphanet 140162, MedGen C0027672, MeSH D009386, MONDO:0015356.
Multiple endocrine neoplasia, type 2 (MEN2). Identifiers: Orphanet 653, MedGen C4048306, MONDO:0019003. Disease mechanism: gain of function.
Hirschsprung disease, susceptibility to, 1 (HSCR1). Also called: RET-Related Hirschsprung Disease. Identifiers: Orphanet 388, MedGen C3888239, MONDO:0007723, OMIM 142623.
Multiple endocrine neoplasia type 2B. Also called: WAGENMANN-FROBOESE SYNDROME; MULTIPLE ENDOCRINE NEOPLASIA, TYPE III; MULTIPLE ENDOCRINE NEOPLASIA, TYPE IIB; MEN IIB; NEUROMATA, MUCOSAL, WITH ENDOCRINE TUMORS; MEN 2B. Identifiers: Orphanet 247709, Orphanet 653, MedGen C0025269, MeSH D018814, MONDO:0008082, OMIM 162300.
Pheochromocytoma. Also called: MAX-Related Hereditary Paraganglioma-Pheochromocytoma Syndrome. Identifiers: Orphanet 29072, MedGen C0031511, MONDO:0008233, OMIM 171300, HP:0002666.
Familial medullary thyroid carcinoma (MTC). Also called: Thyroid cancer, familial medullary; MTC, familial; Familial Medullary Thyroid Carcinoma (FMTC). Identifiers: Orphanet 653, Orphanet 99361, MedGen C1833921, MONDO:0007958, OMIM 155240.
Multiple endocrine neoplasia type 2A. Also called: Multiple Endocrine Neoplasia Type 2A (MEN2A); MULTIPLE ENDOCRINE NEOPLASIA, TYPE IIA; PTC SYNDROME; SIPPLE SYNDROME; MEN 2A; MEN-2A syndrome. Identifiers: Orphanet 247698, Orphanet 653, MedGen C0025268, MeSH D018813, MONDO:0008234, OMIM 171400.

Allele frequency attached by ClinVar (database versions not stated): gnomAD 0.00001; TOPMed 0.00001.
gnomAD v4.1: 41 of 1,612,278 alleles (0.0025%); highest among the groups gnomAD compares: Non-Finnish European, 0.0033%; no homozygotes.

Submissions (10):

Labcorp Genetics (formerly Invitae), Labcorp
Classification: Uncertain significance for Multiple endocrine neoplasia, type 2. Last evaluated: 2026-01-11. Review status: criteria provided, single submitter. Criteria: Invitae Variant Classification Sherloc (09022015). Collection method: clinical testing. Allele origin: germline.
Comment: This sequence change falls in intron 14 of the RET gene. It does not directly change the encoded amino acid sequence of the RET protein. It affects a nucleotide within the consensus splice site. This variant is present in population databases (rs143862573, gnomAD 0.003%). This variant has been observed in individual(s) with intestinal aganglionosis (PMID: 10090908, 33433679). ClinVar contains an entry for this variant (Variation ID: 372491). Variants that disrupt the consensus splice site are a relatively common cause of aberrant splicing (PMID: 17576681, 9536098). Algorithms developed to predict the effect of sequence changes on RNA splicing suggest that this variant may disrupt the consensus splice site. In summary, the available evidence is currently insufficient to determine the role of this variant in disease. Therefore, it has been classified as a Variant of Uncertain Significance.

Color Diagnostics, LLC DBA Color Health
Classification: Uncertain significance for Multiple endocrine neoplasia, type 2. Last evaluated: 2025-06-20. Review status: criteria provided, single submitter. Criteria: ACMG Guidelines, 2015. Collection method: clinical testing. Allele origin: germline.
Comment: This variant causes a G to A nucleotide substitution at the +5 position of intron 14 of the RET gene. Splicing prediction suggests that this variant has no deleterious impact on splicing (PMID: 30661751). This variant has been reported to cause aberrant splicing including the skipping of exon 14 in a minigene splicing assay (PMID: 33433679). This variant has been reported in an individual affected with Hirschsprung Disease (PMID: 10090908, 33433679). This variant is not rare and is detected in 41/1612278 chromosomes in the general population by the Genome Aggregation Database (gnomAD v.4.1.0). The available evidence is insufficient to determine the role of this variant in disease conclusively. Therefore, this variant is classified as a Variant of Uncertain Significance.

Ambry Genetics
Classification: Uncertain significance for Hereditary cancer-predisposing syndrome. Last evaluated: 2025-02-26. Review status: criteria provided, single submitter. Criteria: Ambry Variant Classification Scheme 2023. Collection method: clinical testing. Allele origin: germline.
Comment: The c.2607+5G>A intronic variant results from a G to A substitution 5 nucleotides after coding exon 14 in the RET gene. This nucleotide position is well conserved in available vertebrate species. This alteration was reported in an individual diagnosed with sporadic Hirschsprung disease (Auricchio A et al. Am. J. Hum. Genet., 1999 Apr;64:1216-21). In silico splice site analysis predicts that this alteration will not have any significant effect on splicing. Based on the available evidence, the clinical significance of this alteration remains unclear.

GeneDx
Classification: Uncertain significance. Last evaluated: 2024-07-30. Review status: criteria provided, single submitter. Criteria: GeneDx Variant Classification Process June 2021. Collection method: clinical testing. Allele origin: germline. Affected: yes.
Comment: Not observed at significant frequency in large population cohorts (gnomAD); In silico analysis indicates that this variant does not alter splicing; This variant is associated with the following publications: (PMID: 25525159, 33433679, 35875156, 37002863, 10090908)

Fulgent Genetics
Classification: Uncertain significance for Hirschsprung disease, susceptibility to, 1; Familial medullary thyroid carcinoma; Multiple endocrine neoplasia type 2B; Pheochromocytoma; Multiple endocrine neoplasia type 2A. Last evaluated: 2024-05-14. Review status: criteria provided, single submitter. Criteria: ACMG Guidelines, 2015. Collection method: clinical testing. Allele origin: germline.

All of Us Research Program, National Institutes of Health
Classification: Uncertain significance for Multiple endocrine neoplasia, type 2. Last evaluated: 2023-05-15. Review status: criteria provided, single submitter. Criteria: ACMG Guidelines, 2015. Collection method: clinical testing. Allele origin: germline. Inheritance: Autosomal dominant inheritance. Observed: 2 variant alleles, 2 heterozygotes.
Comment: This study involves interpretation of variants in research participants for the purpose of population health screening. Participant phenotype was not available at the time of variant classification. Additional details can be found in publication PMID: 35346344, PMCID: PMC8962531

Myriad Genetics, Inc.
Classification: Uncertain significance for Multiple endocrine neoplasia type 2A. Last evaluated: 2023-04-17. Review status: criteria provided, single submitter. Criteria: Myriad Autosomal Dominant, Autosomal Recessive and X-Linked Classification Criteria (2023). Collection method: clinical testing. Allele origin: unknown.
Comment: This variant is classified as a variant of uncertain significance as there is insufficient evidence to determine its impact on protein function and/or cancer risk.

Women's Health and Genetics/Laboratory Corporation of America, LabCorp
Classification: Uncertain significance. Last evaluated: 2022-11-21. Review status: criteria provided, single submitter. Criteria: LabCorp Variant Classification Summary - May 2015. Collection method: clinical testing. Allele origin: germline.
Comment: Variant summary: RET c.2607+5G>A alters a non-conserved nucleotide located close to a canonical splice site and therefore could affect mRNA splicing, leading to a significantly altered protein sequence. Several computational tools predict a significant impact on normal splicing: four predict the variant weakens a 5' donor site. At least one publication reported experimental evidence confirming that this variant affects mRNA splicing (Jiang_2021), however the protein level effect (i.e. residual function) of the variant cannot be predicted based on these data. The variant allele was found at a frequency of 4e-06 in 248788 control chromosomes (i.e. 1 carrier in the gnomAD v2.1 exomes dataset). The authors proposed the presence of a risk haplotype contributing to the disease by "enhancing" the penetrance of this RET variant in the affected proband. These data indicate that the variant may be associated with disease. Four clinical diagnostic laboratories have submitted clinical-significance assessments for this variant to ClinVar after 2014 without evidence for independent evaluation, and all of them classified the variant as uncertain significance. Based on the evidence outlined above, the variant was classified as a VUS-possibly pathogenic risk factor for Hirschsprung Disease.

Blueprint Genetics
Classification: Likely pathogenic for RET-related disorders. Last evaluated: 2019-04-17. Review status: criteria provided, single submitter. Criteria: ACMG Guidelines, 2015. Collection method: clinical testing. Allele origin: germline. Affected: yes. Observed: 2 variant alleles.

Counsyl
Classification: Uncertain significance for Multiple endocrine neoplasia type 2A. Last evaluated: 2018-05-16. Review status: no assertion criteria provided. Collection method: clinical testing. Allele origin: unknown. Not counted in ClinVar's aggregate classification.

Literature cited by the submitters: PubMed 10090908 (cited by 5 submitters); PubMed 33433679 (cited by 4 submitters); PubMed 17576681 (cited by Labcorp Genetics (formerly Invitae), Labcorp); PubMed 9536098 (cited by Labcorp Genetics (formerly Invitae), Labcorp); PubMed 30661751 (cited by Color Diagnostics, LLC DBA Color Health).